The following is an entry in ClinVar:

NM_138387.4(G6PC3):c.284C>T (p.Ala95Val)

Gene: G6PC3 (glucose-6-phosphatase catalytic subunit 3; plus strand). Cytogenetic location: 17q21.31.
Variant type: single nucleotide variant.
Coding change: c.284C>T on transcript NM_138387.4 (MANE Select); coding-DNA position 284, C replaced by T.
Protein change: p.Ala95Val; replaces alanine 95 with valine.
Molecular consequence: missense variant. On other transcripts: 5 prime UTR variant (4).
Genome position (GRCh38, 1-based): chr17:44,074,225, C>T. VCF-style: chr17-44074225-C-T. GRCh37 (hg19) VCF-style: chr17-42151593-C-T.
Other names: c.284C>T, p.Ala95Val (NM_001319945.2); c.-62C>T (NM_001384165.1, NM_001384166.1, NM_001384167.1 and 1 more transcripts); short protein forms A95V.
Identifiers: ClinVar variation 2294408 (VCV002294408.3), dbSNP rs2050033219, ClinGen allele CA399725824.

ClinVar aggregate classification (germline): Uncertain significance (1 of 4 stars; one submission).

Conditions:
Inborn genetic diseases. Identifiers: MedGen C0950123, MeSH D030342.

Allele frequency attached by ClinVar (database versions not stated): gnomAD exomes below 0.00001; TOPMed below 0.00001.

Submission:

Ambry Genetics
Classification: Uncertain significance for Inborn genetic diseases. Last evaluated: 2024-12-04. Review status: criteria provided, single submitter. Criteria: Ambry Variant Classification Scheme 2023. Collection method: clinical testing. Allele origin: germline.
Comment: The p.A95V variant (also known as c.284C>T), located in coding exon 2 of the G6PC3 gene, results from a C to T substitution at nucleotide position 284. The alanine at codon 95 is replaced by valine, an amino acid with similar properties. This amino acid position is conserved. In addition, this alteration is predicted to be tolerated by in silico analysis. Based on the available evidence, the clinical significance of this variant remains unclear.